The following is an entry in ClinVar:

NM_032043.3(BRIP1):c.2806G>A (p.Glu936Lys)

Gene: BRIP1 (BRCA1 interacting DNA helicase 1; minus strand). Cytogenetic location: 17q23.2.
Variant type: single nucleotide variant.
Coding change: c.2806G>A on transcript NM_032043.3 (MANE Select); coding-DNA position 2806, G replaced by A.
Protein change: p.Glu936Lys; replaces glutamic acid 936 with lysine.
Molecular consequence: missense variant.
Genome position (GRCh38, 1-based): chr17:61,685,935, C>T on the plus strand (G>A on the coding strand, the complement: BRIP1 is on the minus strand). VCF-style: chr17-61685935-C-T. GRCh37 (hg19) VCF-style: chr17-59763296-C-T.
Other names: short protein forms E936K.
Identifiers: ClinVar variation 577395 (VCV000577395.20), dbSNP rs754280048, ClinGen allele CA8690455.

ClinVar aggregate classification (germline): Uncertain significance. Review status: criteria provided, multiple submitters, no conflicts (2 of 4 stars). 5 submissions from 5 submitters: Uncertain significance (5). Last evaluated 2025-04-08.

Conditions:
Hereditary cancer-predisposing syndrome. Also called: Hereditary neoplastic syndrome; Tumor predisposition; Hereditary Cancer Syndrome; Neoplastic Syndromes, Hereditary. Identifiers: Orphanet 140162, MedGen C0027672, MeSH D009386, MONDO:0015356.
Fanconi anemia complementation group J. Also called: BRIP1-Related Fanconi Anemia. Identifiers: Orphanet 84, MedGen C1836860, MONDO:0012187, OMIM 609054.
Familial cancer of breast. Also called: hereditary breast carcinoma; BREAST CANCER, FAMILIAL; Hereditary breast cancer. Identifiers: Orphanet 227535, MedGen C0346153, MONDO:0016419, OMIM 114480. Disease mechanism: loss of function.

Allele frequency attached by ClinVar (database versions not stated): gnomAD exomes 0.00001; ExAC 0.00002; gnomAD 0.00003.
gnomAD v4.1: 8 of 1,613,972 alleles (0.0005%); highest among the groups gnomAD compares: Non-Finnish European, 0.00034%; no homozygotes.

Submissions (5):

Labcorp Genetics (formerly Invitae), Labcorp
Classification: Uncertain significance for Familial cancer of breast; Fanconi anemia complementation group J. Last evaluated: 2025-04-08. Review status: criteria provided, single submitter. Criteria: Invitae Variant Classification Sherloc (09022015). Collection method: clinical testing. Allele origin: germline.
Comment: This sequence change replaces glutamic acid, which is acidic and polar, with lysine, which is basic and polar, at codon 936 of the BRIP1 protein (p.Glu936Lys). This variant is present in population databases (rs754280048, gnomAD 0.004%). This missense change has been observed in individual(s) with endometrial cancer (PMID: 27443514). ClinVar contains an entry for this variant (Variation ID: 577395). Invitae Evidence Modeling of protein sequence and biophysical properties (such as structural, functional, and spatial information, amino acid conservation, physicochemical variation, residue mobility, and thermodynamic stability) indicates that this missense variant is not expected to disrupt BRIP1 protein function with a negative predictive value of 95%. In summary, the available evidence is currently insufficient to determine the role of this variant in disease. Therefore, it has been classified as a Variant of Uncertain Significance.

Ambry Genetics
Classification: Uncertain significance for Hereditary cancer-predisposing syndrome. Last evaluated: 2024-03-08. Review status: criteria provided, single submitter. Criteria: Ambry Variant Classification Scheme 2023. Collection method: clinical testing. Allele origin: germline.
Comment: The p.E936K variant (also known as c.2806G>A), located in coding exon 18 of the BRIP1 gene, results from a G to A substitution at nucleotide position 2806. The glutamic acid at codon 936 is replaced by lysine, an amino acid with similar properties. This alteration has been previously detected in a cohort of 381 unselected endometrial cancer patients who underwent multi-gene panel testing (Ring KL et al. Mod. Pathol., 2016 11;29:1381-1389). This amino acid position is not well conserved; however, lysine is the reference amino acid in several species. In addition, this alteration is predicted to be tolerated by in silico analysis. Since supporting evidence is limited at this time, the clinical significance of this alteration remains unclear.

Color Diagnostics, LLC DBA Color Health
Classification: Uncertain significance for Hereditary cancer-predisposing syndrome. Last evaluated: 2024-01-29. Review status: criteria provided, single submitter. Criteria: ACMG Guidelines, 2015. Collection method: clinical testing. Allele origin: germline.
Comment: This missense variant replaces glutamic acid with lysine at codon 936 of the BRIP1 protein. Computational prediction suggests that this variant may not impact protein structure and function. To our knowledge, functional studies have not been reported for this variant. This variant has not been reported in individuals affected with hereditary cancer in the literature. This variant has been identified in 4/282742 chromosomes in the general population by the Genome Aggregation Database (gnomAD). The available evidence is insufficient to determine the role of this variant in disease conclusively. Therefore, this variant is classified as a Variant of Uncertain Significance.

Institute for Clinical Genetics, University Hospital TU Dresden, University Hospital TU Dresden
Classification: Uncertain significance. Last evaluated: 2021-11-03. Review status: criteria provided, single submitter. Criteria: ACMG Guidelines, 2015. Collection method: clinical testing. Allele origin: germline.

Quest Diagnostics Nichols Institute San Juan Capistrano
Classification: Uncertain significance. Last evaluated: 2020-05-04. Review status: criteria provided, single submitter. Criteria: Quest Diagnostics criteria. Collection method: clinical testing. Allele origin: unknown.

Literature cited by the submitters: PubMed 27443514 (cited by Labcorp Genetics (formerly Invitae), Labcorp and Ambry Genetics).